The following is an entry in ClinVar:

ClinVar aggregate classification (germline): Conflicting classifications of pathogenicity. Review status: criteria provided, conflicting classifications (1 of 4 stars). 2 submissions from 2 submitters: Uncertain significance (1); Likely benign (1). Last evaluated 2025-05-19.

Conditions:
Familial hypobetalipoproteinemia 1. Also called: APOB-Related Familial Hypobetalipoproteinemia; Hypobetalipoproteinemia, normotriglyceridemic; Acanthocytosis with hypobetalipoproteinemia. Identifiers: MedGen C4551990, MONDO:0014252, OMIM 615558.
Hypercholesterolemia, autosomal dominant, type B (FHCL2). Also called: Familial Hypercholesterolemia Type B; APOLIPOPROTEIN B-100, FAMILIAL DEFECTIVE; APOLIPOPROTEIN B-100, FAMILIAL LIGAND-DEFECTIVE; HYPERCHOLESTEROLEMIA, FAMILIAL, DUE TO LIGAND-DEFECTIVE APOLIPOPROTEIN B; Familial hypercholesterolemia 2; Hyperlipoproteinemia Type IIb. Identifiers: MedGen C1704417, MONDO:0007751, OMIM 144010.

Allele frequency attached by ClinVar (database versions not stated): gnomAD exomes below 0.00001; TOPMed below 0.00001.
gnomAD v4.1: 1 of 1,614,216 alleles (0.000062%); highest among the groups gnomAD compares: African/African-American, 0.0013%; no homozygotes.

Submissions (2):

GeneDx
Classification: Uncertain significance. Last evaluated: 2025-05-19. Review status: criteria provided, single submitter. Criteria: GeneDx Variant Classification Process June 2021. Collection method: clinical testing. Allele origin: germline. Affected: yes.
Comment: Not observed at significant frequency in large population cohorts (gnomAD); In silico analysis supports that this missense variant has a deleterious effect on protein structure/function; Has not been previously published as pathogenic or benign to our knowledge; Also known as p.(S1850L)

Labcorp Genetics (formerly Invitae), Labcorp
Classification: Likely benign for Familial hypobetalipoproteinemia 1; Hypercholesterolemia, autosomal dominant, type B. Last evaluated: 2024-05-13. Review status: criteria provided, single submitter. Criteria: Invitae Variant Classification Sherloc (09022015). Collection method: clinical testing. Allele origin: germline.

NM_000384.3(APOB):c.5630C>T (p.Ser1877Leu)

Gene: APOB (apolipoprotein B; minus strand). Cytogenetic location: 2p24.1.
Variant type: single nucleotide variant.
Coding change: c.5630C>T on transcript NM_000384.3 (MANE Select); coding-DNA position 5630, C replaced by T.
Protein change: p.Ser1877Leu; replaces serine 1877 with leucine.
Molecular consequence: missense variant.
Genome position (GRCh38, 1-based): chr2:21,011,238, G>A on the plus strand (C>T on the coding strand, the complement: APOB is on the minus strand). VCF-style: chr2-21011238-G-A. GRCh37 (hg19) VCF-style: chr2-21234110-G-A.
Other names: c.5630C>T (NM_000384.2); short protein forms S1877L.
Identifiers: ClinVar variation 1466346 (VCV001466346.9), dbSNP rs1350147987, ClinGen allele CA346004317.
Genomic context (GRCh38, chr2:21,011,238, plus strand): 5'-CGGAAGACATTGCTGAAATGCAGTGAGTCTGAATTATAGTTTGTGCTCATGTCAATGGCT[G>A]AAGCCAGCCCAGCGATGTCTGTGTTGAGCCGATGGCTAAACTCCACACCCTGAACCTTAG-3'
Protein context (NP_000375.3, residues 1867-1887): RLNTDIAGLA[Ser1877Leu]AIDMSTNYNS